The following is an entry in ClinVar:

NM_182961.4(SYNE1):c.23054C>A (p.Ser7685Tyr)

Gene: SYNE1 (spectrin repeat containing nuclear envelope protein 1; minus strand). Cytogenetic location: 6q25.2.
Variant type: single nucleotide variant.
Coding change: c.23054C>A on transcript NM_182961.4 (MANE Select); coding-DNA position 23054, C replaced by A.
Protein change: p.Ser7685Tyr; replaces serine 7685 with tyrosine.
Molecular consequence: missense variant.
Genome position (GRCh38, 1-based): chr6:152,201,915, G>T on the plus strand (C>A on the coding strand, the complement: SYNE1 is on the minus strand). VCF-style: chr6-152201915-G-T. GRCh37 (hg19) VCF-style: chr6-152523050-G-T.
Other names: c.22841C>A, p.Ser7614Tyr (NM_033071.5); short protein forms S7685Y, S7614Y.
Identifiers: ClinVar variation 1810536 (VCV001810536.2), dbSNP rs774563693, ClinGen allele CA4053703.

ClinVar aggregate classification (germline): Uncertain significance (1 of 4 stars; one submission).

Allele frequency attached by ClinVar (database versions not stated): TOPMed 0.00001; ExAC 0.00011; gnomAD 0.00002; gnomAD exomes 0.00005.

Submission:

GeneDx
Classification: Uncertain significance. Last evaluated: 2026-02-25. Review status: criteria provided, single submitter. Criteria: GeneDx Variant Classification Process June 2021. Collection method: clinical testing. Allele origin: germline.
Comment: In silico analysis supports that this missense variant has a deleterious effect on protein structure/function; Has not been previously published as pathogenic or benign to our knowledge